The following is an entry in ClinVar:

NM_018646.6(TRPV6):c.1047C>G (p.Asp349Glu)

Gene: TRPV6 (transient receptor potential cation channel subfamily V member 6; minus strand). Cytogenetic location: 7q34.
Variant type: single nucleotide variant.
Coding change: c.1047C>G on transcript NM_018646.6 (MANE Select); coding-DNA position 1047, C replaced by G.
Protein change: p.Asp349Glu; replaces aspartic acid 349 with glutamic acid.
Molecular consequence: missense variant.
Genome position (GRCh38, 1-based): chr7:142,875,663, G>C on the plus strand (C>G on the coding strand, the complement: TRPV6 is on the minus strand). VCF-style: chr7-142875663-G-C. GRCh37 (hg19) VCF-style: chr7-142573416-G-C.
Other names: short protein forms D349E.
Identifiers: ClinVar variation 4633766 (VCV004633766.2).
Genomic context (GRCh38, chr7:142,875,663, plus strand): 5'-GAAGTACGGCCGCCCGTACCGCTTCCACTTGAGGCTCACCAGCTCCTTCACCGGCGTCTG[G>C]TCCAGGATCTGGCGAGCCTGCAACAGAAAGAGAACAGGTGGCTCAGAGACCCTGACACCC-3'
Protein context (NP_061116.5, residues 339-359): TKKREARQIL[Asp349Glu]QTPVKELVSL

ClinVar aggregate classification (germline): Uncertain significance. Review status: criteria provided, multiple submitters, no conflicts (2 of 4 stars). 2 submissions from 2 submitters: Uncertain significance (2). Last evaluated 2025-09-27.

Conditions:
Inborn genetic diseases. Identifiers: MedGen C0950123, MeSH D030342.

Submissions (2):

Ambry Genetics
Classification: Uncertain significance for Inborn genetic diseases. Last evaluated: 2025-09-27. Review status: criteria provided, single submitter. Criteria: Ambry Variant Classification Scheme 2023. Collection method: clinical testing. Allele origin: germline.

Labcorp Genetics (formerly Invitae), Labcorp
Classification: Uncertain significance. Last evaluated: 2025-07-30. Review status: criteria provided, single submitter. Criteria: Invitae Variant Classification Sherloc (09022015). Collection method: clinical testing. Allele origin: germline.
Comment: This sequence change replaces aspartic acid, which is acidic and polar, with glutamic acid, which is acidic and polar, at codon 349 of the TRPV6 protein (p.Asp349Glu). This variant is present in population databases (rs780787551, gnomAD 0.06%). This variant has not been reported in the literature in individuals affected with TRPV6-related conditions. Experimental studies and prediction algorithms are not available or were not evaluated, and the functional significance of this variant is currently unknown. In summary, the available evidence is currently insufficient to determine the role of this variant in disease. Therefore, it has been classified as a Variant of Uncertain Significance.